The following is an entry in ClinVar:

NM_145239.3(PRRT2):c.802_804del (p.Tyr268del)

Genes: MVP-DT (MVP divergent transcript; minus strand), PRRT2 (proline rich transmembrane protein 2; plus strand). Cytogenetic location: 16p11.2.
Variant type: Deletion.
Coding change: c.802_804del on transcript NM_145239.3 (MANE Select); coding-DNA positions 802 to 804, 3 bases deleted (TAC; older notation c.802_804delTAC).
Protein change: p.Tyr268del; deletes tyrosine 268.
Molecular consequence: inframe deletion.
Genome position (GRCh38, 1-based): chr16:29,813,856-29,813,858, TAC deleted; deleting any 3 consecutive bases within chr16:29,813,854-29,813,858 gives the same sequence; the c. name uses the placement nearest the transcript's 3' end. VCF-style (leftmost placement, unchanged base first): chr16-29813853-GACT-G. GRCh37 (hg19) VCF-style: chr16-29825174-GACT-G.
Other names: c.802_804del, p.Tyr268del (NM_001256442.2, NM_001256443.2); short protein forms Y268del.
Identifiers: ClinVar variation 589991 (VCV000589991.10), dbSNP rs1567380086, ClinGen allele CA891843770.
Genomic context (GRCh38, chr16:29,813,853, plus strand): 5'-CCCAGCTCCCAGTTGGCAGGTCCTGGGGTGGAGGGGGGTGAAGGCACCCAGAAACCTCGG[GACT>G]ACATCATCCTTGCCATCCTGTCCTGCTTCTGCCCCATGTGGCCTGTCAACATCGTGGCCT-3'

ClinVar aggregate classification (germline): Uncertain significance. Review status: criteria provided, multiple submitters, no conflicts (2 of 4 stars). 2 submissions from 2 submitters: Uncertain significance (2). Last evaluated 2023-08-16.

Conditions:
Inborn genetic diseases. Identifiers: MedGen C0950123, MeSH D030342.
Episodic kinesigenic dyskinesia (EKD). Also called: Paroxysmal kinesigenic dyskinesia. Identifiers: Orphanet 98809, MedGen C1868682, MONDO:0044202.

Submissions (2):

Labcorp Genetics (formerly Invitae), Labcorp
Classification: Uncertain significance for Episodic kinesigenic dyskinesia. Last evaluated: 2023-08-16. Review status: criteria provided, single submitter. Criteria: Invitae Variant Classification Sherloc (09022015). Collection method: clinical testing. Allele origin: germline.
Comment: In summary, the available evidence is currently insufficient to determine the role of this variant in disease. Therefore, it has been classified as a Variant of Uncertain Significance. This variant, c.802_804del, results in the deletion of 1 amino acid(s) of the PRRT2 protein (p.Tyr268del), but otherwise preserves the integrity of the reading frame. This variant is not present in population databases (gnomAD no frequency). This variant has not been reported in the literature in individuals affected with PRRT2-related conditions. ClinVar contains an entry for this variant (Variation ID: 589991). Experimental studies and prediction algorithms are not available or were not evaluated, and the functional significance of this variant is currently unknown.

Ambry Genetics
Classification: Uncertain significance for Inborn genetic diseases. Last evaluated: 2016-12-12. Review status: criteria provided, single submitter. Criteria: Ambry Variant Classification Scheme 2023. Collection method: clinical testing. Allele origin: germline.
Comment: The c.802_804delTAC variant (also known as p.Y268del) is located in coding exon 1 of the PRRT2 gene. This variant results from an in-frame TAC deletion at nucleotide positions 802 to 804. This results in the in-frame deletion of a tyrosine at codon 268. This amino acid position is highly conserved in available vertebrate species. In addition, this alteration is predicted to be deleterious by PROVEAN in silico analysis (Choi Y et al., PLoS ONE 2012; 7(10):e46688). Since supporting evidence is limited at this time, the clinical significance of this variant remains unclear.